The following is an entry in ClinVar:

ClinVar aggregate classification (germline): Uncertain significance (1 of 4 stars; one submission).

Allele frequency attached by ClinVar (database versions not stated): gnomAD exomes 0.00001; ExAC 0.00001; ESP Exome Variant Server 0.00008.
gnomAD v4.1: 21 of 1,613,798 alleles (0.0013%); highest among the groups gnomAD compares: Non-Finnish European, 0.0018%; no homozygotes.

Submission:

Laboratory for Molecular Medicine, Mass General Brigham Personalized Medicine
Classification: Uncertain significance. Last evaluated: 2018-10-05. Review status: criteria provided, single submitter. Criteria: LMM Criteria. Collection method: clinical testing. Allele origin: germline. Observed: 1 variant allele.
Comment: Variant classified as Uncertain Significance - Favor Pathogenic. It was also identified in the heterozygous stat e in 2 individuals with low HDL-cholesterol levels and 5 family members who also had low HDL-cholesterol levels (Holleboom 2011, Recalde 2002). It has also been identified in 2/111626 of European chromosomes by gnomAD. Computational prediction tools and conservation analysis suggest t hat this variant may impact the protein, though this information is not predicti ve enough to determine pathogenicity. In summary, while there is some suspicion for a pathogenic role, the clinical significance of the p.Ile202Thr variant is u ncertain. ACMG/AMP criteria applied: PM2, PP1, PP3

Literature cited by the submitters: PubMed 22010943; PubMed 12048121; PubMed 21901787; PubMed 21130455; PubMed 21420943.

NM_000229.2(LCAT):c.605T>C (p.Ile202Thr)

Gene: LCAT (lecithin-cholesterol acyltransferase; minus strand). Cytogenetic location: 16q22.1.
Variant type: single nucleotide variant.
Coding change: c.605T>C on transcript NM_000229.2 (MANE Select); coding-DNA position 605, T replaced by C.
Protein change: p.Ile202Thr; replaces isoleucine 202 with threonine.
Molecular consequence: missense variant.
Genome position (GRCh38, 1-based): chr16:67,942,506, A>G on the plus strand (T>C on the coding strand, the complement: LCAT is on the minus strand). VCF-style: chr16-67942506-A-G. GRCh37 (hg19) VCF-style: chr16-67976409-A-G.
Other names: short protein forms I202T.
Identifiers: ClinVar variation 667256 (VCV000667256.4), dbSNP rs376973514, ClinGen allele CA8121010.